The following is an entry in ClinVar:

NM_177438.3(DICER1):c.4449G>A (p.Met1483Ile)

Gene: DICER1 (dicer 1, ribonuclease III; minus strand). Cytogenetic location: 14q32.13.
Variant type: single nucleotide variant.
Coding change: c.4449G>A on transcript NM_177438.3 (MANE Select); coding-DNA position 4449, G replaced by A.
Protein change: p.Met1483Ile; replaces methionine 1483 with isoleucine.
Molecular consequence: missense variant.
Genome position (GRCh38, 1-based): chr14:95,096,471, C>T on the plus strand (G>A on the coding strand, the complement: DICER1 is on the minus strand). VCF-style: chr14-95096471-C-T. GRCh37 (hg19) VCF-style: chr14-95562808-C-T.
Other names: NM_177438.3(DICER1):c.4449G>A; p.Met1483Ile; c.4449G>A, p.Met1483Ile (NM_001195573.1, NM_001271282.3, NM_001291628.2 and 1 more transcripts); short protein forms M1483I.
Identifiers: ClinVar variation 577152 (VCV000577152.23), dbSNP rs1454569806, ClinGen allele CA390868420.
Genomic context (GRCh38, chr14:95,096,471, plus strand): 5'-GTAGTCAAAATCCTCAAAATCTGATGAAAATGGCATACTACCTAAGGAGGATTTTTTGGG[C>T]ATTTTCCATTCATATGCAGAATCAGTGGTTGAAAAAGGAGAAAGAGAGATTTTCTTTACA-3'
Protein context (NP_803187.1, residues 1473-1493): STTDSAYEWK[Met1483Ile]PKKSSLGSMP

ClinVar aggregate classification (germline): Likely benign. Review status: reviewed by expert panel (3 of 4 stars). 7 submissions from 7 submitters: Likely benign (1). 6 of the submissions do not count toward it. Last evaluated 2026-02-24.

Conditions:
Hereditary cancer-predisposing syndrome. Also called: Neoplastic Syndromes, Hereditary; Hereditary neoplastic syndrome; Tumor predisposition; Hereditary Cancer Syndrome. Identifiers: Orphanet 140162, MedGen C0027672, MeSH D009386, MONDO:0015356.
DICER1-related tumor predisposition. Also called: DICER1 syndrome; DICER1-related pleuropulmonary blastoma cancer predisposition syndrome. Identifiers: Orphanet 284343, MedGen C3839822, MONDO:0100216.
Global developmental delay - lung cysts - overgrowth - Wilms tumor syndrome. Also called: GLOW Syndrome; GLOBAL DEVELOPMENTAL DELAY, LUNG CYSTS, OVERGROWTH, AND WILMS TUMOR. Identifiers: Orphanet 404476, MedGen C4748924, MONDO:0018445, OMIM 618272.
Euthyroid goiter (MNG1). Also called: Goiter, multinodular 1, with or without Sertoli-Leydig cell tumors; GOITER, NONTOXIC, WITH INTRATHYROIDAL CALCIFICATION; MULTINODULAR GOITER, ADOLESCENT; SIMPLE GOITER. Identifiers: Orphanet 276399, MedGen C0302859, MONDO:0007681, OMIM 138800, HP:0009798.
Rhabdomyosarcoma, embryonal, 2 (RMSE2). Identifiers: MedGen C1867234, MONDO:0859046, OMIM 180295.

Allele frequency attached by ClinVar (database versions not stated): gnomAD exomes 0.00001; gnomAD 0.00002; TOPMed 0.00002.

Submissions (7):

ClinGen DICER1 and miRNA-Processing Gene Variant Curation Expert Panel, ClinGen
Classification: Likely benign for DICER1-related tumor predisposition. Last evaluated: 2026-02-24. Review status: reviewed by expert panel. Criteria: ClinGen DICER1 ACMG Specifications DICER1 V1.4.0. Collection method: curation. Allele origin: germline. Inheritance: Autosomal dominant inheritance.
Comment: The NM_177438.3:c.4449G>A variant in DICER1 is a missense variant predicted to cause substitution of methionine by isoleucine at amino acid 1483 (p.Met1483Ile). Although this variant has been observed in individuals undergoing genetic sequencing, to our knowledge, this variant has not been reported in individuals with DICER1-related tumor predisposition (PS4 not met; Internal lab contributors). This variant has been seen in 10 or more unrelated females without tumors through age 50 in at least one testing laboratory (BS2_Supporting; Internal lab contributors). The total allele frequency in gnomAD v4.1.0 is 0.000007435 (12/1614050 alleles) with the highest population minor allele frequency of 0.00009602 (6/62484 alleles) in the Remaining population and the second highest in the Admixed American population with a minor allele frequency of 0.00008334 (5/59994)(PM2_Supporting, BS1, and BA1 are not met). In silico tools predict no damaging impact of the variant on protein function (REVEL: 0.039; MaxEntScan and SpliceAI: no effect on splicing) (BP4).In summary, this variant meets the criteria to be classified as Likely Benign for DICER1-related tumor predisposition based on the ACMG/AMP criteria applied, as specified by the ClinGen DICER1 VCEP: BP4, BS2_Supporting. (Bayesian Points: -2; VCEP specifications version 1.4.0; 02/24/2026).

Ambry Genetics
Classification: Likely benign for Hereditary cancer-predisposing syndrome. Last evaluated: 2026-03-02. Review status: criteria provided, single submitter. Criteria: Ambry Variant Classification Scheme 2023. Collection method: clinical testing. Allele origin: germline. Not counted in ClinVar's aggregate classification.

Labcorp Genetics (formerly Invitae), Labcorp
Classification: Uncertain significance for DICER1-related tumor predisposition. Last evaluated: 2026-01-28. Review status: criteria provided, single submitter. Criteria: Invitae Variant Classification Sherloc (09022015). Collection method: clinical testing. Allele origin: germline. Not counted in ClinVar's aggregate classification.
Comment: This sequence change replaces methionine, which is neutral and non-polar, with isoleucine, which is neutral and non-polar, at codon 1483 of the DICER1 protein (p.Met1483Ile). This variant is present in population databases (no rsID available, gnomAD 0.006%). This variant has not been reported in the literature in individuals affected with DICER1-related conditions. ClinVar contains an entry for this variant (Variation ID: 577152). Invitae Evidence Modeling of protein sequence and biophysical properties (such as structural, functional, and spatial information, amino acid conservation, physicochemical variation, residue mobility, and thermodynamic stability) indicates that this missense variant is not expected to disrupt DICER1 protein function with a negative predictive value of 95%. In summary, the available evidence is currently insufficient to determine the role of this variant in disease. Therefore, it has been classified as a Variant of Uncertain Significance.

Baylor Genetics
Classification: Uncertain significance for Global developmental delay - lung cysts - overgrowth - Wilms tumor syndrome. Last evaluated: 2023-09-08. Review status: criteria provided, single submitter. Criteria: ACMG Guidelines, 2015. Collection method: clinical testing. Allele origin: unknown. Not counted in ClinVar's aggregate classification.

GeneDx
Classification: Uncertain significance. Last evaluated: 2023-01-26. Review status: criteria provided, single submitter. Criteria: GeneDx Variant Classification Process June 2021. Collection method: clinical testing. Allele origin: germline. Affected: yes. Not counted in ClinVar's aggregate classification.
Comment: Not observed at significant frequency in large population cohorts (gnomAD); In silico analysis supports that this missense variant does not alter protein structure/function; Has not been previously published as pathogenic or benign to our knowledge

Revvity Omics, Revvity
Classification: Uncertain significance. Last evaluated: 2019-10-03. Review status: criteria provided, single submitter. Criteria: ACMG Guidelines, 2015. Collection method: clinical testing. Allele origin: germline. Not counted in ClinVar's aggregate classification.

Fulgent Genetics
Classification: Uncertain significance for Euthyroid goiter; Rhabdomyosarcoma, embryonal, 2; Pleuropulmonary blastoma. Last evaluated: 2018-10-31. Review status: criteria provided, single submitter. Criteria: ACMG Guidelines, 2015. Collection method: clinical testing. Allele origin: unknown. Not counted in ClinVar's aggregate classification.